The following is an entry in ClinVar:

ClinVar aggregate classification (germline): Uncertain significance (1 of 4 stars; one submission).

Submission:

Women's Health and Genetics/Laboratory Corporation of America, LabCorp
Classification: Uncertain significance. Last evaluated: 2022-05-23. Review status: criteria provided, single submitter. Criteria: LabCorp Variant Classification Summary - May 2015. Collection method: clinical testing. Allele origin: germline.
Comment: Variant summary: SMAD4 c.457C>G (p.Pro153Ala) results in a non-conservative amino acid change in the encoded protein sequence. Four of five in-silico tools predict a damaging effect of the variant on protein function. The variant was absent in 251262 control chromosomes. The available data on variant occurrences in the general population are insufficient to allow any conclusion about variant significance. To our knowledge, no occurrence of c.457C>G in individuals affected with Juvenile Polyposis Syndrome and no experimental evidence demonstrating its impact on protein function have been reported. No clinical diagnostic laboratories have submitted clinical-significance assessments for this variant to ClinVar after 2014. Based on the evidence outlined above, the variant was classified as uncertain significance.

NM_005359.6(SMAD4):c.457C>G (p.Pro153Ala)

Gene: SMAD4 (SMAD family member 4; plus strand). Cytogenetic location: 18q21.2.
Variant type: single nucleotide variant.
Coding change: c.457C>G on transcript NM_005359.6 (MANE Select); coding-DNA position 457, C replaced by G.
Protein change: p.Pro153Ala; replaces proline 153 with alanine.
Molecular consequence: missense variant.
Genome position (GRCh38, 1-based): chr18:51,054,783, C>G. VCF-style: chr18-51054783-C-G. GRCh37 (hg19) VCF-style: chr18-48581153-C-G.
Other names: short protein forms P153A.
Identifiers: ClinVar variation 1696269 (VCV001696269.1), dbSNP rs751763157, ClinGen allele CA402460584.
Genomic context (GRCh38, chr18:51,054,783, plus strand): 5'-TTTTTTTCTGGGAATAGAAGCTTATAAAAATTTAAAATATGTTTAATTTTCTATATAGCT[C>G]CATCAAGTATGATGGTGAAGGATGAATATGTGCATGACTTTGAGGGACAGCCATCGTTGT-3'
Protein context (NP_005350.1, residues 143-163): LSGLTLQSNA[Pro153Ala]SSMMVKDEYV